The following is an entry in ClinVar:

ClinVar aggregate classification (germline): Benign/Likely benign. Review status: criteria provided, multiple submitters, no conflicts (2 of 4 stars). 7 submissions from 7 submitters: Benign (1); Likely benign (6). Last evaluated 2026-02-11.

Conditions:
MSH6-related disorder. Also called: MSH6-related condition; MSH6-Related disorders.
Hereditary nonpolyposis colorectal neoplasms. Identifiers: MedGen C0009405, MeSH D003123.
Hereditary cancer-predisposing syndrome. Also called: Neoplastic Syndromes, Hereditary; Tumor predisposition; Hereditary Cancer Syndrome; Hereditary neoplastic syndrome. Identifiers: Orphanet 140162, MedGen C0027672, MeSH D009386, MONDO:0015356.
Lynch syndrome. Identifiers: Orphanet 144, MedGen C4552100, MONDO:0005835. Disease mechanism: loss of function.
Lynch syndrome 5 (LYNCH5). Also called: Colorectal cancer, hereditary nonpolyposis, type 5; Hereditary non-polyposis colorectal cancer, type 5. Identifiers: Orphanet 144, MedGen C1833477, MONDO:0013710, OMIM 614350. Disease mechanism: loss of function.

Allele frequency attached by ClinVar (database versions not stated): gnomAD exomes below 0.00001; gnomAD 0.00001; TOPMed 0.00002.

Submissions (7):

PreventionGenetics, part of Exact Sciences
Classification: Likely benign for MSH6-related condition. Last evaluated: 2026-02-11. Review status: criteria provided, single submitter. Criteria: ACMG Guidelines, 2015. Collection method: clinical testing. Allele origin: germline.
Comment: This variant is classified as likely benign based on ACMG/AMP sequence variant interpretation guidelines (Richards et al. 2015 PMID: 25741868, with internal and published modifications).

Labcorp Genetics (formerly Invitae), Labcorp
Classification: Likely benign for Hereditary nonpolyposis colorectal neoplasms. Last evaluated: 2025-03-27. Review status: criteria provided, single submitter. Criteria: Invitae Variant Classification Sherloc (09022015). Collection method: clinical testing. Allele origin: germline.

Myriad Genetics, Inc.
Classification: Benign for Lynch syndrome 5. Last evaluated: 2024-12-26. Review status: criteria provided, single submitter. Criteria: Myriad Autosomal Dominant, Autosomal Recessive and X-Linked Classification Criteria (2023). Collection method: clinical testing. Allele origin: unknown.
Comment: This variant is considered benign. This variant is a silent/synonymous amino acid change and it is not expected to impact splicing.

All of Us Research Program, National Institutes of Health
Classification: Likely benign for Lynch syndrome. Last evaluated: 2024-05-30. Review status: criteria provided, single submitter. Criteria: ACMG Guidelines, 2015. Collection method: clinical testing. Allele origin: germline. Inheritance: Autosomal dominant inheritance. Observed: 2 variant alleles, 2 heterozygotes.
Comment: This study involves interpretation of variants in research participants for the purpose of population health screening. Participant phenotype was not available at the time of variant classification. Additional details can be found in publication PMID: 35346344, PMCID: PMC8962531

GeneDx
Classification: Likely benign. Last evaluated: 2020-12-15. Review status: criteria provided, single submitter. Criteria: GeneDx Variant Classification Process June 2021. Collection method: clinical testing. Allele origin: germline. Affected: yes.

Color Diagnostics, LLC DBA Color Health
Classification: Likely benign for Hereditary cancer-predisposing syndrome. Last evaluated: 2018-12-04. Review status: criteria provided, single submitter. Criteria: ACMG Guidelines, 2015. Collection method: clinical testing. Allele origin: germline.

Ambry Genetics
Classification: Likely benign for Hereditary cancer-predisposing syndrome. Last evaluated: 2015-06-30. Review status: criteria provided, single submitter. Criteria: Ambry Variant Classification Scheme 2023. Collection method: clinical testing. Allele origin: germline.

NM_000179.3(MSH6):c.1407T>C (p.Tyr469=)

Gene: MSH6 (mutS homolog 6; plus strand). Cytogenetic location: 2p16.3.
Variant type: single nucleotide variant.
Coding change: c.1407T>C on transcript NM_000179.3 (MANE Select); coding-DNA position 1407, T replaced by C.
Protein change: p.Tyr469=; no amino-acid change (tyrosine 469 retained).
Molecular consequence: synonymous variant.
Genome position (GRCh38, 1-based): chr2:47,799,390, T>C. VCF-style: chr2-47799390-T-C. GRCh37 (hg19) VCF-style: chr2-48026529-T-C.
Other names: c.1017T>C, p.Tyr339= (NM_001281492.2); c.501T>C, p.Tyr167= (NM_001281493.2, NM_001281494.2).
Identifiers: ClinVar variation 232779 (VCV000232779.62), dbSNP rs587781408, ClinGen allele CA10578070.